The following is an entry in ClinVar:

ClinVar aggregate classification (germline): Uncertain significance (1 of 4 stars; one submission).

Conditions:
Pulmonary fibrosis and/or bone marrow failure, Telomere-related, 3. Also called: PULMONARY FIBROSIS AND/OR BONE MARROW FAILURE SYNDROME, TELOMERE-RELATED, 3. Identifiers: Orphanet 2032, MedGen C4225346, MONDO:0014613, OMIM 616373.
Dyskeratosis congenita, autosomal recessive 5 (DKCB5). Identifiers: MedGen C3554656, MONDO:0014076, OMIM 615190.

gnomAD v4.1: 1 of 1,612,670 alleles (0.000062%); highest among the groups gnomAD compares: Non-Finnish European, 0.000085%; no homozygotes.

Submission:

Labcorp Genetics (formerly Invitae), Labcorp
Classification: Uncertain significance for Dyskeratosis congenita, autosomal recessive 5; Pulmonary fibrosis and/or bone marrow failure, Telomere-related, 3. Last evaluated: 2024-08-12. Review status: criteria provided, single submitter. Criteria: Invitae Variant Classification Sherloc (09022015). Collection method: clinical testing. Allele origin: germline.
Comment: This sequence change replaces tyrosine, which is neutral and polar, with cysteine, which is neutral and slightly polar, at codon 922 of the RTEL1 protein (p.Tyr922Cys). This variant is not present in population databases (gnomAD no frequency). This variant has not been reported in the literature in individuals affected with RTEL1-related conditions. An algorithm developed to predict the effect of missense changes on protein structure and function (PolyPhen-2) suggests that this variant is likely to be disruptive. In summary, the available evidence is currently insufficient to determine the role of this variant in disease. Therefore, it has been classified as a Variant of Uncertain Significance.

NM_001283009.2(RTEL1):c.2765A>G (p.Tyr922Cys)

Genes: RTEL1 (regulator of telomere elongation helicase 1; plus strand), RTEL1-TNFRSF6B (RTEL1-TNFRSF6B readthrough (NMD candidate); plus strand). Cytogenetic location: 20q13.33.
Variant type: single nucleotide variant.
Coding change: c.2765A>G on transcript NM_001283009.2 (MANE Select); coding-DNA position 2765, A replaced by G.
Protein change: p.Tyr922Cys; replaces tyrosine 922 with cysteine.
Molecular consequence: missense variant. On other transcripts: non-coding transcript variant (1).
Genome position (GRCh38, 1-based): chr20:63,692,917, A>G. VCF-style: chr20-63692917-A-G. GRCh37 (hg19) VCF-style: chr20-62324270-A-G.
Other names: c.2096A>G, p.Tyr699Cys (NM_001283010.1); c.2765A>G, p.Tyr922Cys (NM_016434.4); c.2837A>G, p.Tyr946Cys (NM_032957.5); short protein forms Y699C, Y922C, Y946C.
Identifiers: ClinVar variation 3752475 (VCV003752475.2).